The following is an entry in ClinVar:

ClinVar aggregate classification (germline): Benign/Likely benign. Review status: criteria provided, multiple submitters, no conflicts (2 of 4 stars). 2 submissions from 2 submitters: Benign (1); Likely benign (1). Last evaluated 2025-02-19.

Conditions:
Hereditary cancer-predisposing syndrome. Also called: Neoplastic Syndromes, Hereditary; Tumor predisposition; Hereditary Cancer Syndrome; Hereditary neoplastic syndrome. Identifiers: Orphanet 140162, MedGen C0027672, MeSH D009386, MONDO:0015356.
Breast-ovarian cancer, familial, susceptibility to, 3. Also called: RAD51C-Related Breast/Ovarian Cancer. Identifiers: Orphanet 145, MedGen C3150659, MONDO:0013253, OMIM 613399.

Submissions (2):

Myriad Genetics, Inc.
Classification: Benign for Breast-ovarian cancer, familial, susceptibility to, 3. Last evaluated: 2025-02-19. Review status: criteria provided, single submitter. Criteria: Myriad Autosomal Dominant, Autosomal Recessive and X-Linked Classification Criteria (2023). Collection method: clinical testing. Allele origin: unknown.
Comment: This variant is considered benign. This variant is a silent/synonymous amino acid change and it is not expected to impact splicing.

Ambry Genetics
Classification: Likely benign for Hereditary cancer-predisposing syndrome. Last evaluated: 2017-02-16. Review status: criteria provided, single submitter. Criteria: Ambry Variant Classification Scheme 2023. Collection method: clinical testing. Allele origin: germline.

NM_058216.3(RAD51C):c.987A>C (p.Ser329=)

Gene: RAD51C (RAD51 paralog C; plus strand). Cytogenetic location: 17q22.
Variant type: single nucleotide variant.
Coding change: c.987A>C on transcript NM_058216.3 (MANE Select); coding-DNA position 987, A replaced by C.
Protein change: p.Ser329=; no amino-acid change (serine 329 retained).
Molecular consequence: synonymous variant. On other transcripts: non-coding transcript variant (1).
Genome position (GRCh38, 1-based): chr17:58,732,505, A>C. VCF-style: chr17-58732505-A-C. GRCh37 (hg19) VCF-style: chr17-56809866-A-C.
Identifiers: ClinVar variation 482178 (VCV000482178.6), dbSNP rs876659303, ClinGen allele CA400364932.